The following is an entry in ClinVar:

ClinVar aggregate classification (germline): Uncertain significance (1 of 4 stars; one submission).

Submission:

Ambry Genetics
Classification: Uncertain significance. Last evaluated: 2022-04-22. Review status: criteria provided, single submitter. Criteria: Ambry Variant Classification Scheme 2023. Collection method: clinical testing. Allele origin: germline.
Comment: The p.K210M variant (also known as c.629A>T), located in coding exon 1 of the TERF2IP gene, results from an A to T substitution at nucleotide position 629. The lysine at codon 210 is replaced by methionine, an amino acid with similar properties. This amino acid position is conserved. In addition, this alteration is predicted to be tolerated by in silico analysis. Since supporting evidence is limited at this time, the clinical significance of this alteration remains unclear.

NM_018975.4(TERF2IP):c.629A>T (p.Lys210Met)

Gene: TERF2IP (TERF2 interacting protein; plus strand). Cytogenetic location: 16q23.1.
Variant type: single nucleotide variant.
Coding change: c.629A>T on transcript NM_018975.4 (MANE Select); coding-DNA position 629, A replaced by T.
Protein change: p.Lys210Met; replaces lysine 210 with methionine.
Molecular consequence: missense variant. On other transcripts: non-coding transcript variant (1).
Genome position (GRCh38, 1-based): chr16:75,648,511, A>T. VCF-style: chr16-75648511-A-T. GRCh37 (hg19) VCF-style: chr16-75682409-A-T.
Other names: short protein forms K210M.
Identifiers: ClinVar variation 1752685 (VCV001752685.2), dbSNP rs2507075262, ClinGen allele CA396818320.